The following is an entry in ClinVar:

NM_001292063.2(OTOG):c.8191-12C>A

Gene: OTOG (otogelin; plus strand). Cytogenetic location: 11p15.1.
Variant type: single nucleotide variant.
Coding change: c.8191-12C>A on transcript NM_001292063.2 (MANE Select); 12 bases into the intron before coding-DNA position 8191, C replaced by A.
Molecular consequence: intron variant.
Genome position (GRCh38, 1-based): chr11:17,641,835, C>A. VCF-style: chr11-17641835-C-A. GRCh37 (hg19) VCF-style: chr11-17663382-C-A.
Other names: c.8227-12C>A (NM_001277269.2).
Identifiers: ClinVar variation 226915 (VCV000226915.15), dbSNP rs11828989, ClinGen allele CA5906247.

ClinVar aggregate classification (germline): Benign. Review status: criteria provided, multiple submitters, no conflicts (2 of 4 stars). 4 submissions from 4 submitters: Benign (4). Last evaluated 2026-01-24.

Allele frequency attached by ClinVar (database versions not stated): TOPMed 0.01390; 1000 Genomes Project 0.01438.
gnomAD v4.1: 3,607 of 1,545,652 alleles (0.23%); highest among the groups gnomAD compares: African/African-American, 4.3%; 78 homozygotes.

Submissions (4):

Labcorp Genetics (formerly Invitae), Labcorp
Classification: Benign. Last evaluated: 2026-01-24. Review status: criteria provided, single submitter. Criteria: Invitae Variant Classification Sherloc (09022015). Collection method: clinical testing. Allele origin: germline.

GeneDx
Classification: Benign. Last evaluated: 2019-08-23. Review status: criteria provided, single submitter. Criteria: GeneDx Variant Classification Process June 2021. Collection method: clinical testing. Allele origin: germline. Affected: yes.

Center for Pediatric Genomic Medicine, Children's Mercy Hospital and Clinics
Classification: Benign. Last evaluated: 2016-07-22. Review status: criteria provided, single submitter. Criteria: ACMG Guidelines, 2015. Collection method: clinical testing. Allele origin: germline.

Laboratory for Molecular Medicine, Mass General Brigham Personalized Medicine
Classification: Benign. Last evaluated: 2014-11-24. Review status: criteria provided, single submitter. Criteria: LMM Criteria. Collection method: clinical testing. Allele origin: germline. Observed: 13 variant alleles.
Comment: 8227-12C>A in intron 50 of OTOG: This variant is not expected to have clinical s ignificance because it has been identified in 5.1% (9/176) of Yoruba (Nigerian) chromosomes from a broad population by the 1000 Genomes Project (.; dbSNP rs11828989).